The following is an entry in ClinVar:

NM_001170629.2(CHD8):c.2165A>G (p.Asp722Gly)

Gene: CHD8 (chromodomain helicase DNA binding protein 8; minus strand). Cytogenetic location: 14q11.2.
Variant type: single nucleotide variant.
Coding change: c.2165A>G on transcript NM_001170629.2 (MANE Select); coding-DNA position 2165, A replaced by G.
Protein change: p.Asp722Gly; replaces aspartic acid 722 with glycine.
Molecular consequence: missense variant.
Genome position (GRCh38, 1-based): chr14:21,412,974, T>C on the plus strand (A>G on the coding strand, the complement: CHD8 is on the minus strand). VCF-style: chr14-21412974-T-C. GRCh37 (hg19) VCF-style: chr14-21881133-T-C.
Other names: c.1328A>G, p.Asp443Gly (NM_020920.4); short protein forms D443G, D722G.
Identifiers: ClinVar variation 3778525 (VCV003778525.7).

ClinVar aggregate classification (germline): Uncertain significance (1 of 4 stars; one submission).

gnomAD v4.1: 1 of 1,609,076 alleles (0.000062%); highest among the groups gnomAD compares: South Asian, 0.0011%; no homozygotes.

Submission:

CeGaT Center for Human Genetics Tuebingen
Classification: Uncertain significance. Last evaluated: 2025-03-01. Review status: criteria provided, single submitter. Criteria: CeGaT Center For Human Genetics Tuebingen Variant Classification Criteria Version 2. Collection method: clinical testing. Allele origin: germline. Affected: yes. Observed: 1 variant allele.
Comment: CHD8: PP2, PP3